The following is an entry in ClinVar:

NM_000018.4(ACADVL):c.385G>A (p.Glu129Lys)

Gene: ACADVL (acyl-CoA dehydrogenase very long chain; plus strand). Cytogenetic location: 17p13.1.
Variant type: single nucleotide variant.
Coding change: c.385G>A on transcript NM_000018.4 (MANE Select); coding-DNA position 385, G replaced by A.
Protein change: p.Glu129Lys; replaces glutamic acid 129 with lysine.
Molecular consequence: missense variant.
Genome position (GRCh38, 1-based): chr17:7,220,966, G>A. VCF-style: chr17-7220966-G-A. GRCh37 (hg19) VCF-style: chr17-7124285-G-A.
Other names: c.385G>A (NM_000018.2); c.319G>A, p.Glu107Lys (NM_001033859.3); c.454G>A, p.Glu152Lys (NM_001270447.2); c.157G>A, p.Glu53Lys (NM_001270448.2); short protein forms E129K, E107K, E152K, E53K.
Identifiers: ClinVar variation 501312 (VCV000501312.12), dbSNP rs1402849815, ClinGen allele CA397722790.

ClinVar aggregate classification (germline): Uncertain significance. Review status: criteria provided, multiple submitters, no conflicts (2 of 4 stars). 3 submissions from 3 submitters: Uncertain significance (3). Last evaluated 2025-02-06.

Conditions:
Very long chain acyl-CoA dehydrogenase deficiency (ACADVLD). Also called: Very Long-Chain Acyl-Coenzyme A Dehydrogenase Deficiency; VLCAD Deficiency. Identifiers: Orphanet 26793, MedGen C3887523, MONDO:0008723, OMIM 201475.

Allele frequency attached by ClinVar (database versions not stated): gnomAD exomes below 0.00001; TOPMed below 0.00001; gnomAD 0.00001.

Submissions (3):

GeneDx
Classification: Uncertain significance. Last evaluated: 2025-02-06. Review status: criteria provided, single submitter. Criteria: GeneDx Variant Classification Process June 2021. Collection method: clinical testing. Allele origin: germline. Affected: yes.
Comment: Not observed at significant frequency in large population cohorts (gnomAD); In silico analysis supports that this missense variant has a deleterious effect on protein structure/function; Has not been previously published as pathogenic or benign to our knowledge

Labcorp Genetics (formerly Invitae), Labcorp
Classification: Uncertain significance for Very long chain acyl-CoA dehydrogenase deficiency. Last evaluated: 2024-03-20. Review status: criteria provided, single submitter. Criteria: Invitae Variant Classification Sherloc (09022015). Collection method: clinical testing. Allele origin: germline.
Comment: This sequence change replaces glutamic acid, which is acidic and polar, with lysine, which is basic and polar, at codon 129 of the ACADVL protein (p.Glu129Lys). This variant is not present in population databases (gnomAD no frequency). This variant has not been reported in the literature in individuals affected with ACADVL-related conditions. ClinVar contains an entry for this variant (Variation ID: 501312). Advanced modeling of protein sequence and biophysical properties (such as structural, functional, and spatial information, amino acid conservation, physicochemical variation, residue mobility, and thermodynamic stability) performed at Invitae indicates that this missense variant is expected to disrupt ACADVL protein function with a positive predictive value of 95%. In summary, the available evidence is currently insufficient to determine the role of this variant in disease. Therefore, it has been classified as a Variant of Uncertain Significance.

Eurofins Ntd Llc (ga)
Classification: Uncertain significance. Last evaluated: 2017-04-21. Review status: criteria provided, single submitter. Criteria: EGL Classification Definitions 2015. Collection method: clinical testing. Allele origin: germline. Observed: 1 variant allele, 1 heterozygote.